The following is an entry in ClinVar:

ClinVar aggregate classification (germline): Pathogenic/Likely pathogenic. Review status: criteria provided, multiple submitters, no conflicts (2 of 4 stars). 3 submissions from 3 submitters: Pathogenic (1); Likely pathogenic (2). Last evaluated 2026-01-29.

Conditions:
Retinitis pigmentosa 28 (RP28). Identifiers: Orphanet 791, MedGen C1419614, MONDO:0011630, OMIM 606068.

Submissions (3):

Natera, Inc.
Classification: Likely pathogenic for Retinitis pigmentosa type 28. Last evaluated: 2026-01-29. Review status: criteria provided, single submitter. Criteria: Natera Variant Classification Schema (03/2026). Collection method: clinical testing. Allele origin: germline.
Comment: The c.556_560del variant in FAM161A is a frameshift variant predicted to shift the reading frame beginning at codon 186 and leads to a stop codon 9 codons downstream. This variant is expected to result in nonsense mediated decay, truncation, or a dysfunctional protein product. This variant is rare in the general population with a frequency below the threshold expected for the associated phenotype(s). Given the available evidence, this variant is classified as Likely Pathogenic.

Labcorp Genetics (formerly Invitae), Labcorp
Classification: Pathogenic. Last evaluated: 2023-12-12. Review status: criteria provided, single submitter. Criteria: Invitae Variant Classification Sherloc (09022015). Collection method: clinical testing. Allele origin: germline.
Comment: This sequence change creates a premature translational stop signal (p.Pro186Glufs*9) in the FAM161A gene. It is expected to result in an absent or disrupted protein product. Loss-of-function variants in FAM161A are known to be pathogenic (PMID: 20705278, 20705279, 24651477). This variant is not present in population databases (gnomAD no frequency). This variant has not been reported in the literature in individuals affected with FAM161A-related conditions. For these reasons, this variant has been classified as Pathogenic.

Baylor Genetics
Classification: Likely pathogenic for Retinitis pigmentosa 28. Last evaluated: 2023-03-15. Review status: criteria provided, single submitter. Criteria: ACMG Guidelines, 2015. Collection method: clinical testing. Allele origin: unknown.

Literature cited by the submitters: PubMed 20705278 (cited by Labcorp Genetics (formerly Invitae), Labcorp); PubMed 20705279 (cited by Labcorp Genetics (formerly Invitae), Labcorp); PubMed 24651477 (cited by Labcorp Genetics (formerly Invitae), Labcorp).

NM_001201543.2(FAM161A):c.556_560del (p.Pro186fs)

Gene: FAM161A (FAM161 centrosomal protein A; minus strand). Cytogenetic location: 2p15.
Variant type: Deletion.
Coding change: c.556_560del on transcript NM_001201543.2 (MANE Select); coding-DNA positions 556 to 560, 5 bases deleted (CCTAG; older notation c.556_560delCCTAG).
Protein change: p.Pro186fs; shifts the reading frame from proline 186.
Molecular consequence: frameshift variant. On other transcripts: non-coding transcript variant (1).
Genome position (GRCh38, 1-based): chr2:61,840,444-61,840,448, CTAGG deleted on the plus strand (CCTAG on the coding strand, the reverse complement: FAM161A is on the minus strand). VCF-style (leftmost placement, unchanged base first): chr2-61840443-CCTAGG-C. GRCh37 (hg19) VCF-style: chr2-62067578-CCTAGG-C.
Other names: c.556_560del (NM_001201543.1); c.556_560del, p.Pro186fs (NM_032180.3); short protein forms P186fs.
Identifiers: ClinVar variation 2675385 (VCV002675385.5), dbSNP rs2466028553, ClinGen allele CA2576981640.
Genomic context (GRCh38, chr2:61,840,443, plus strand): 5'-ACAAAAGTCTGTCCACATATTGTTGATGAGCTCCTTAGCATAGGTCATCATTCTGTTTTT[CCTAGG>C]ATACTCTTTTTCTAGGTTGGGTAACTCCTCTTCAGAGGAGGACACATACAAGGAGGAAGA-3'